The following is an entry in ClinVar:

ClinVar aggregate classification (germline): Uncertain significance (1 of 4 stars; one submission).

gnomAD v4.1: 5 of 1,608,122 alleles (0.00031%); highest among the groups gnomAD compares: Non-Finnish European, 0.00042%; no homozygotes.

Submission:

Labcorp Genetics (formerly Invitae), Labcorp
Classification: Uncertain significance. Last evaluated: 2024-05-09. Review status: criteria provided, single submitter. Criteria: Invitae Variant Classification Sherloc (09022015). Collection method: clinical testing. Allele origin: germline.
Comment: This sequence change replaces valine, which is neutral and non-polar, with isoleucine, which is neutral and non-polar, at codon 476 of the KIF11 protein (p.Val476Ile). This variant is not present in population databases (gnomAD no frequency). This variant has not been reported in the literature in individuals affected with KIF11-related conditions. Advanced modeling of protein sequence and biophysical properties (such as structural, functional, and spatial information, amino acid conservation, physicochemical variation, residue mobility, and thermodynamic stability) performed at Invitae indicates that this missense variant is not expected to disrupt KIF11 protein function with a negative predictive value of 80%. In summary, the available evidence is currently insufficient to determine the role of this variant in disease. Therefore, it has been classified as a Variant of Uncertain Significance.

NM_004523.4(KIF11):c.1426G>A (p.Val476Ile)

Gene: KIF11 (kinesin family member 11; plus strand). Cytogenetic location: 10q23.33.
Variant type: single nucleotide variant.
Coding change: c.1426G>A on transcript NM_004523.4 (MANE Select); coding-DNA position 1426, G replaced by A.
Protein change: p.Val476Ile; replaces valine 476 with isoleucine.
Molecular consequence: missense variant.
Genome position (GRCh38, 1-based): chr10:92,630,296, G>A. VCF-style: chr10-92630296-G-A. GRCh37 (hg19) VCF-style: chr10-94390053-G-A.
Other names: short protein forms V476I.
Identifiers: ClinVar variation 3688700 (VCV003688700.2).